The following is an entry in ClinVar:

NM_001135651.3(EIF2AK2):c.722+1G>T

Gene: EIF2AK2 (eukaryotic translation initiation factor 2 alpha kinase 2; minus strand). Cytogenetic location: 2p22.2.
Variant type: single nucleotide variant.
Coding change: c.722+1G>T on transcript NM_001135651.3 (MANE Select); the canonical splice donor site of the intron after coding-DNA position 722, G replaced by T.
Molecular consequence: splice donor variant.
Genome position (GRCh38, 1-based): chr2:37,136,982, C>A on the plus strand (G>T on the coding strand, the complement: EIF2AK2 is on the minus strand). VCF-style: chr2-37136982-C-A. GRCh37 (hg19) VCF-style: chr2-37364125-C-A.
Other names: c.722+1G>T (NM_002759.4, NM_001135652.2).
Identifiers: ClinVar variation 4070814 (VCV004070814.2).

ClinVar aggregate classification (germline): Uncertain significance (1 of 4 stars; one submission).

Submission:

GeneDx
Classification: Uncertain significance. Last evaluated: 2026-06-26. Review status: criteria provided, single submitter. Criteria: GeneDx Variant Classification Process June 2021. Collection method: clinical testing. Allele origin: germline.
Comment: Not observed at significant frequency in large population cohorts (gnomAD); Canonical splice site variant in a gene or region of a gene for which loss of function is not a well-established mechanism of disease; Has not been previously published as pathogenic or benign to our knowledge